The following is an entry in ClinVar:

NM_005228.5(EGFR):c.3223G>T (p.Gly1075Cys)

Gene: EGFR (epidermal growth factor receptor; plus strand). Cytogenetic location: 7p11.2.
Variant type: single nucleotide variant.
Coding change: c.3223G>T on transcript NM_005228.5 (MANE Select); coding-DNA position 3223, G replaced by T.
Protein change: p.Gly1075Cys; replaces glycine 1075 with cysteine.
Molecular consequence: missense variant.
Genome position (GRCh38, 1-based): chr7:55,202,577, G>T. VCF-style: chr7-55202577-G-T. GRCh37 (hg19) VCF-style: chr7-55270270-G-T.
Other names: c.3088G>T, p.Gly1030Cys (NM_001346897.2, NM_001346899.2); c.3223G>T, p.Gly1075Cys (NM_001346898.2); c.3064G>T, p.Gly1022Cys (NM_001346900.2); c.2422G>T, p.Gly808Cys (NM_001346941.2); short protein forms G1030C, G1022C, G1075C, G808C.
Identifiers: ClinVar variation 4824483 (VCV004824483.1).

ClinVar aggregate classification (germline): Uncertain significance (1 of 4 stars; one submission).

Conditions:
Hereditary cancer-predisposing syndrome. Also called: Neoplastic Syndromes, Hereditary; Hereditary neoplastic syndrome; Tumor predisposition; Hereditary Cancer Syndrome. Identifiers: Orphanet 140162, MedGen C0027672, MeSH D009386, MONDO:0015356.

Submission:

Ambry Genetics
Classification: Uncertain significance for Hereditary cancer-predisposing syndrome. Last evaluated: 2026-02-16. Review status: criteria provided, single submitter. Criteria: Ambry Variant Classification Scheme 2023. Collection method: clinical testing. Allele origin: germline.
Comment: The p.G1075C variant (also known as c.3223G>T), located in coding exon 27 of the EGFR gene, results from a G to T substitution at nucleotide position 3223. The glycine at codon 1075 is replaced by cysteine, an amino acid with highly dissimilar properties. This amino acid position is conserved. In addition, this alteration is predicted to be tolerated by in silico analysis. Based on the available evidence, the clinical significance of this variant remains unclear.